The following is an entry in ClinVar:

ClinVar aggregate classification (germline): Uncertain significance (1 of 4 stars; one submission).

Conditions:
Wilms tumor 1 (WT1). Also called: Wilms tumor, somatic. Identifiers: Orphanet 654, MedGen CN033288, MONDO:0008679, OMIM 194070.

Submission:

All of Us Research Program, National Institutes of Health
Classification: Uncertain significance for Wilms tumor 1. Last evaluated: 2024-05-30. Review status: criteria provided, single submitter. Criteria: ACMG Guidelines, 2015. Collection method: clinical testing. Allele origin: germline. Inheritance: Autosomal dominant inheritance. Observed: 1 variant allele, 1 heterozygote.
Comment: This missense variant replaces proline with arginine at codon 130 of the WT1 protein. Computational prediction suggests that this variant may not impact protein structure and function (internally defined REVEL score threshold <= 0.5, PMID: 27666373). To our knowledge, functional studies have not been reported for this variant. This variant has not been reported in individuals affected with WT1-related disorders in the literature. This variant has not been identified in the general population by the Genome Aggregation Database (gnomAD). The available evidence is insufficient to determine the role of this variant in disease conclusively. Therefore, this variant is classified as a Variant of Uncertain Significance.

This study involves interpretation of variants in research participants for the purpose of population health screening. Participant phenotype was not available at the time of variant classification. Additional details can be found in publication PMID: 35346344, PMCID: PMC8962531

NM_024426.6(WT1):c.404C>G (p.Pro135Arg)

Genes: WT1 (WT1 transcription factor; minus strand), LOC107982234 (WT1/WT1-AS bi-directional promoter region; plus strand). Cytogenetic location: 11p13.
Variant type: single nucleotide variant.
Coding change: c.404C>G on transcript NM_024426.6 (MANE Select); coding-DNA position 404, C replaced by G.
Protein change: p.Pro135Arg; replaces proline 135 with arginine.
Molecular consequence: missense variant. On other transcripts: non-coding transcript variant (2).
Genome position (GRCh38, 1-based): chr11:32,434,957, G>C on the plus strand (C>G on the coding strand, the complement: WT1 is on the minus strand). VCF-style: chr11-32434957-G-C. GRCh37 (hg19) VCF-style: chr11-32456503-G-C.
Other names: c.404C>G, p.Pro135Arg (NM_000378.6, NM_001407044.1, NM_001407045.1 and 6 more transcripts); c.185C>G, p.Pro62Arg (NM_001429031.1, NM_001429032.1, NM_001429033.1 and 1 more transcripts); short protein forms P130R, P135R, P62R.
Identifiers: ClinVar variation 3386205 (VCV003386205.1).
Genomic context (GRCh38, chr11:32,434,957, plus strand): 5'-TCCGCGCCGCCCCAGCTCGGCTCCTGTTTGATGAAGGAGTGAGGCGGCGGCGGCGGGGGT[G>C]GCGGCGGAGCCGGTGGCGGCGCGGGGCCGCCCAACGACCCGTAAGCCGAAGCGCCCGGGG-3'
Protein context (NP_077744.4, residues 125-145): GGPAPPPAPP[Pro135Arg]PPPPPPHSFI